The following is an entry in ClinVar:

ClinVar aggregate classification (germline): Uncertain significance (1 of 4 stars; one submission).

Conditions:
Hyperornithinemia-hyperammonemia-homocitrullinuria syndrome (HHHS). Also called: Ornithine translocase deficiency; HHH SYNDROME. Identifiers: Orphanet 415, MedGen C0268540, MONDO:0009393, OMIM 238970.

Submission:

Labcorp Genetics (formerly Invitae), Labcorp
Classification: Uncertain significance for Hyperornithinemia-hyperammonemia-homocitrullinuria syndrome. Last evaluated: 2022-05-13. Review status: criteria provided, single submitter. Criteria: Invitae Variant Classification Sherloc (09022015). Collection method: clinical testing. Allele origin: germline.
Comment: In summary, the available evidence is currently insufficient to determine the role of this variant in disease. Therefore, it has been classified as a Variant of Uncertain Significance. Algorithms developed to predict the effect of missense changes on protein structure and function are either unavailable or do not agree on the potential impact of this missense change (SIFT: "Tolerated"; PolyPhen-2: "Probably Damaging"; Align-GVGD: "Class C15"). This variant has not been reported in the literature in individuals affected with SLC25A15-related conditions. This variant is not present in population databases (gnomAD no frequency). This sequence change replaces phenylalanine, which is neutral and non-polar, with serine, which is neutral and polar, at codon 185 of the SLC25A15 protein (p.Phe185Ser).

NM_014252.4(SLC25A15):c.554T>C (p.Phe185Ser)

Gene: SLC25A15 (solute carrier family 25 member 15; plus strand). Cytogenetic location: 13q14.11.
Variant type: single nucleotide variant.
Coding change: c.554T>C on transcript NM_014252.4 (MANE Select); coding-DNA position 554, T replaced by C.
Protein change: p.Phe185Ser; replaces phenylalanine 185 with serine.
Molecular consequence: missense variant.
Genome position (GRCh38, 1-based): chr13:40,807,395, T>C. VCF-style: chr13-40807395-T-C. GRCh37 (hg19) VCF-style: chr13-41381531-T-C.
Other names: short protein forms F185S.
Identifiers: ClinVar variation 1994067 (VCV001994067.4), dbSNP rs2546922046, ClinGen allele CA387918375.